The following is an entry in ClinVar:

ClinVar aggregate classification (germline): Benign/Likely benign. Review status: criteria provided, multiple submitters, no conflicts (2 of 4 stars). 2 submissions from 2 submitters: Benign (1); Likely benign (1). Last evaluated 2018-01-13.

Conditions:
Collagen 6-related myopathy. Identifiers: MedGen CN117976, MONDO:0100225.

Allele frequency attached by ClinVar (database versions not stated): TOPMed 0.00217; 1000 Genomes Project 0.00339; 1000 Genomes Project 30x 0.00359.
gnomAD v4.1: 3,707 of 1,320,880 alleles (0.28%); highest among the groups gnomAD compares: South Asian, 0.87%; 23 homozygotes.

Submissions (2):

Illumina Laboratory Services, Illumina
Classification: Benign for Collagen VI-related myopathy. Last evaluated: 2018-01-13. Review status: criteria provided, single submitter. Criteria: ICSL Variant Classification Criteria 13 December 2019. Collection method: clinical testing. Allele origin: germline.
Comment: This variant was observed in the ICSL laboratory as part of a predisposition screen in an ostensibly healthy population. It had not been previously curated by ICSL or reported in the Human Gene Mutation Database (HGMD: prior to June 1st, 2018), and was therefore a candidate for classification through an automated scoring system. Utilizing variant allele frequency, disease prevalence and penetrance estimates, and inheritance mode, an automated score was calculated to assess if this variant is too frequent to cause the disease. Based on the score and internal cut-off values, a variant classified as benign is not then subjected to further curation. The score for this variant resulted in a classification of benign for this disease.

Breakthrough Genomics
Classification: Likely benign. Review status: criteria provided, single submitter. Criteria: ACMG Guidelines, 2015. Collection method: not provided. Allele origin: germline. Inheritance: Autosomal recessive inheritance. Affected: yes.

NM_001849.4(COL6A2):c.*88G>C

Gene: COL6A2 (collagen type VI alpha 2 chain; plus strand). Cytogenetic location: 21q22.3.
Variant type: single nucleotide variant.
Coding change: c.*88G>C on transcript NM_001849.4 (MANE Select); 88 bases downstream of the stop codon, G replaced by C.
Molecular consequence: 3 prime UTR variant.
Genome position (GRCh38, 1-based): chr21:46,132,640, G>C. VCF-style: chr21-46132640-G-C. GRCh37 (hg19) VCF-style: chr21-47552554-G-C.
Identifiers: ClinVar variation 340395 (VCV000340395.7), dbSNP rs369124688, ClinGen allele CA10650716.